The following is an entry in ClinVar:

ClinVar aggregate classification (germline): Uncertain significance (1 of 4 stars; one submission).

Conditions:
Charcot-Marie-Tooth disease dominant intermediate E. Also called: CHARCOT-MARIE-TOOTH NEUROPATHY WITH FOCAL SEGMENTAL GLOMERULONEPHRITIS. Identifiers: Orphanet 93114, MedGen C4302667, MONDO:0013758, OMIM 614455.
Focal segmental glomerulosclerosis 5 (FSGS5). Identifiers: Orphanet 656, MedGen C2750475, MONDO:0013191, OMIM 613237.

Submission:

Labcorp Genetics (formerly Invitae), Labcorp
Classification: Uncertain significance for Charcot-Marie-Tooth disease dominant intermediate E; Focal segmental glomerulosclerosis 5. Last evaluated: 2023-08-20. Review status: criteria provided, single submitter. Criteria: Invitae Variant Classification Sherloc (09022015). Collection method: clinical testing. Allele origin: germline.
Comment: In summary, the available evidence is currently insufficient to determine the role of this variant in disease. Therefore, it has been classified as a Variant of Uncertain Significance. Algorithms developed to predict the effect of sequence changes on RNA splicing suggest that this variant may disrupt the consensus splice site. This variant has not been reported in the literature in individuals affected with INF2-related conditions. This variant is not present in population databases (gnomAD no frequency). This sequence change falls in intron 14 of the INF2 gene. It does not directly change the encoded amino acid sequence of the INF2 protein.

NM_022489.4(INF2):c.2311-3del

Gene: INF2 (inverted formin 2; plus strand). Cytogenetic location: 14q32.33.
Variant type: Deletion.
Coding change: c.2311-3del on transcript NM_022489.4 (MANE Select); 3 bases into the intron before coding-DNA position 2311, one base deleted (C; older notation c.2311-3delC).
Molecular consequence: intron variant.
Genome position (GRCh38, 1-based): chr14:104,711,076, C deleted; the last of 3 consecutive C bases (chr14:104,711,074-104,711,076); deleting any one gives the same sequence. VCF-style (leftmost placement, unchanged base first): chr14-104711073-TC-T. GRCh37 (hg19) VCF-style: chr14-105177410-TC-T.
Other names: c.2311-3del (NM_001031714.4).
Identifiers: ClinVar variation 2937879 (VCV002937879.3), dbSNP rs2541937879, ClinGen allele CA2626821556.